The following is an entry in ClinVar:

NM_004380.3(CREBBP):c.3252C>T (p.Ile1084=)

Gene: CREBBP (CREB binding lysine acetyltransferase; minus strand). Cytogenetic location: 16p13.3.
Variant type: single nucleotide variant.
Coding change: c.3252C>T on transcript NM_004380.3 (MANE Select); coding-DNA position 3252, C replaced by T.
Protein change: p.Ile1084=; no amino-acid change (isoleucine 1084 retained).
Molecular consequence: synonymous variant.
Genome position (GRCh38, 1-based): chr16:3,758,971, G>A on the plus strand (C>T on the coding strand, the complement: CREBBP is on the minus strand). VCF-style: chr16-3758971-G-A. GRCh37 (hg19) VCF-style: chr16-3808972-G-A.
Other names: c.3138C>T, p.Ile1046= (NM_001079846.1).
Identifiers: ClinVar variation 1675191 (VCV001675191.12), dbSNP rs190925539, ClinGen allele CA7869858.

ClinVar aggregate classification (germline): Likely benign. Review status: criteria provided, multiple submitters, no conflicts (2 of 4 stars). 5 submissions from 5 submitters: Likely benign (4). 1 of the submissions does not count toward it. Last evaluated 2025-08-21.

Conditions:
Inborn genetic diseases. Identifiers: MedGen C0950123, MeSH D030342.
Rubinstein-Taybi syndrome (RSTS). Identifiers: Orphanet 783, MedGen C0035934, MONDO:0019188.
Rubinstein-Taybi syndrome due to CREBBP mutations (RSTS1). Also called: BROAD THUMB-HALLUX SYNDROME; Rubinstein-Taybi syndrome 1; CREBBP-Related Rubinstein-Taybi Syndrome; BROAD THUMBS AND GREAT TOES, CHARACTERISTIC FACIES, AND IMPAIRED INTELLECTUAL DEVELOPMENT; RUBINSTEIN-TAYBI SYNDROME 1, INCOMPLETE; RUBINSTEIN SYNDROME. Identifiers: Orphanet 353277, Orphanet 783, MedGen C4551859, MONDO:0008393, OMIM 180849.
CREBBP-related disorder. Also called: CREBBP-related disorders; CREBBP-related condition.

Allele frequency attached by ClinVar (database versions not stated): gnomAD 0.00001; gnomAD exomes 0.00001; ExAC 0.00002; TOPMed 0.00002; 1000 Genomes Project 30x 0.00031; 1000 Genomes Project 0.00040.
gnomAD v4.1: 15 of 1,606,052 alleles (0.00093%); highest among the groups gnomAD compares: Middle Eastern, 0.038%; no homozygotes.

Submissions (5):

Labcorp Genetics (formerly Invitae), Labcorp
Classification: Likely benign for Rubinstein-Taybi syndrome. Last evaluated: 2025-08-21. Review status: criteria provided, single submitter. Criteria: Invitae Variant Classification Sherloc (09022015). Collection method: clinical testing. Allele origin: germline.

Blueprint Genetics
Classification: Likely benign. Last evaluated: 2022-12-05. Review status: criteria provided, single submitter. Criteria: ACMG Guidelines, 2015. Collection method: clinical testing. Allele origin: germline.

Centre of Medical Genetics, University Hospital Muenster
Classification: Likely benign for Rubinstein-Taybi syndrome due to CREBBP mutations. Last evaluated: 2020-02-18. Review status: criteria provided, single submitter. Criteria: ACMG Guidelines, 2015. Collection method: clinical testing. Allele origin: germline. Affected: yes. Observed: 1 variant allele, 1 heterozygote.
Comment: ACMG categories: BS2,BP4,BP7

Ambry Genetics
Classification: Likely benign for Inborn genetic diseases. Last evaluated: 2019-02-09. Review status: criteria provided, single submitter. Criteria: Ambry Variant Classification Scheme 2023. Collection method: clinical testing. Allele origin: germline.

PreventionGenetics, part of Exact Sciences
Classification: Likely benign for CREBBP-related condition. Last evaluated: 2023-10-30. Review status: no assertion criteria provided. Collection method: clinical testing. Allele origin: germline. Not counted in ClinVar's aggregate classification.
Comment: This variant is classified as likely benign based on ACMG/AMP sequence variant interpretation guidelines (Richards et al. 2015 PMID: 25741868, with internal and published modifications).